The following is an entry in ClinVar:

ClinVar aggregate classification (germline): Uncertain significance (1 of 4 stars; one submission).

Conditions:
VPS4A-related disorder. Also called: VPS4A-related condition.

Submission:

PreventionGenetics, part of Exact Sciences
Classification: Uncertain significance for VPS4A-related condition. Last evaluated: 2023-05-06. Review status: criteria provided, single submitter. Criteria: ACMG Guidelines, 2015. Collection method: clinical testing. Allele origin: germline.
Comment: The VPS4A c.401G>T variant is predicted to result in the amino acid substitution p.Gly134Val. To our knowledge, this variant has not been reported in the literature or in a large population database, indicating this variant is rare. At this time, the clinical significance of this variant is uncertain due to the absence of conclusive functional and genetic evidence.

NM_013245.3(VPS4A):c.401G>T (p.Gly134Val)

Gene: VPS4A (vacuolar protein sorting 4 homolog A; plus strand). Cytogenetic location: 16q22.1.
Variant type: single nucleotide variant.
Coding change: c.401G>T on transcript NM_013245.3 (MANE Select); coding-DNA position 401, G replaced by T.
Protein change: p.Gly134Val; replaces glycine 134 with valine.
Molecular consequence: missense variant.
Genome position (GRCh38, 1-based): chr16:69,318,880, G>T. VCF-style: chr16-69318880-G-T. GRCh37 (hg19) VCF-style: chr16-69352783-G-T.
Other names: short protein forms G134V.
Identifiers: ClinVar variation 2633333 (VCV002633333.1), dbSNP rs1424893027, ClinGen allele CA396467429.